The following is an entry in ClinVar:

ClinVar aggregate classification (germline): Uncertain significance (1 of 4 stars; one submission).

Conditions:
Autosomal recessive polycystic kidney disease (ARPKD). Also called: AR polycystic kidney disease. Identifiers: Orphanet 731, Orphanet 8378, MedGen C0085548, MeSH D017044, MONDO:0009889.

Submission:

Labcorp Genetics (formerly Invitae), Labcorp
Classification: Uncertain significance for Autosomal recessive polycystic kidney disease. Last evaluated: 2022-09-19. Review status: criteria provided, single submitter. Criteria: Invitae Variant Classification Sherloc (09022015). Collection method: clinical testing. Allele origin: germline.
Comment: This variant results in a copy number gain of the genomic region encompassing exon(s) 66-67 of the PKHD1 gene. This region includes the termination codon of the gene. This copy number gain extends beyond the assayed region for this gene and therefore may encompass additional genes. As the precise location of this event is unknown, it may be in tandem or it may be located elsewhere in the genome. This variant has not been reported in the literature in individuals affected with PKHD1-related conditions. In summary, the available evidence is currently insufficient to determine the role of this variant in disease. Therefore, it has been classified as a Variant of Uncertain Significance.

NC_000006.11:g.(?_51483879)_(51491934_?)dup

Gene: PKHD1 (PKHD1 ciliary IPT domain containing fibrocystin/polyductin; minus strand). Cytogenetic location: 6p12.3.
Variant type: Duplication.
Identifiers: ClinVar variation 2427261 (VCV002427261.4).